The following is an entry in ClinVar:

NM_001378457.1(DMXL2):c.859A>G (p.Thr287Ala)

Gene: DMXL2 (Dmx like 2; minus strand). Cytogenetic location: 15q21.2.
Variant type: single nucleotide variant.
Coding change: c.859A>G on transcript NM_001378457.1 (MANE Select); coding-DNA position 859, A replaced by G.
Protein change: p.Thr287Ala; replaces threonine 287 with alanine.
Molecular consequence: missense variant. On other transcripts: non-coding transcript variant (2).
Genome position (GRCh38, 1-based): chr15:51,545,654, T>C on the plus strand (A>G on the coding strand, the complement: DMXL2 is on the minus strand). VCF-style: chr15-51545654-T-C. GRCh37 (hg19) VCF-style: chr15-51837851-T-C.
Other names: c.859A>G, p.Thr287Ala (NM_001174116.3, NM_001174117.3, NM_001378458.1 and 7 more transcripts); short protein forms T287A.
Identifiers: ClinVar variation 2130590 (VCV002130590.1), dbSNP rs2548637958, ClinGen allele CA392468965.

ClinVar aggregate classification (germline): Uncertain significance (1 of 4 stars; one submission).

Allele frequency attached by ClinVar (database versions not stated): gnomAD exomes below 0.00001.
gnomAD v4.1: 1 of 1,613,738 alleles (0.000062%); highest among the groups gnomAD compares: South Asian, 0.0011%; no homozygotes.

Submission:

Labcorp Genetics (formerly Invitae), Labcorp
Classification: Uncertain significance. Last evaluated: 2022-10-17. Review status: criteria provided, single submitter. Criteria: Invitae Variant Classification Sherloc (09022015). Collection method: clinical testing. Allele origin: germline.
Comment: This sequence change replaces threonine, which is neutral and polar, with alanine, which is neutral and non-polar, at codon 287 of the DMXL2 protein (p.Thr287Ala). This variant is not present in population databases (gnomAD no frequency). This variant has not been reported in the literature in individuals affected with DMXL2-related conditions. Algorithms developed to predict the effect of missense changes on protein structure and function (SIFT, PolyPhen-2, Align-GVGD) all suggest that this variant is likely to be tolerated. In summary, the available evidence is currently insufficient to determine the role of this variant in disease. Therefore, it has been classified as a Variant of Uncertain Significance.